The following is an entry in ClinVar:

ClinVar aggregate classification (germline): Likely pathogenic. Review status: criteria provided, single submitter (1 of 4 stars). 2 submissions from 2 submitters: Likely pathogenic (1). 1 of the submissions does not count toward it. Last evaluated 2024-10-04.

Conditions:
Renal hypodysplasia/aplasia 4. Identifiers: MedGen C5676993, MONDO:0030822, OMIM 619887.

Allele frequency attached by ClinVar (database versions not stated): gnomAD exomes below 0.00001; TOPMed below 0.00001; ExAC 0.00001; gnomAD 0.00001; 1000 Genomes Project 30x 0.00016; 1000 Genomes Project 0.00020.

Submissions (2):

Dubai Health Genomic Medicine Center, Dubai Health
Classification: Likely pathogenic for Renal hypodysplasia/aplasia 4. Last evaluated: 2024-10-04. Review status: criteria provided, single submitter. Criteria: ACMG Guidelines, 2015. Collection method: research. Allele origin: germline. Affected: yes.
Comment: PVS1,PM2

OMIM
Classification: Pathogenic for RENAL HYPODYSPLASIA/APLASIA 4. Last evaluated: 2022-05-24. Review status: no assertion criteria provided. Collection method: literature only. Allele origin: germline. Not counted in ClinVar's aggregate classification.

Literature cited by the submitters: PubMed 33020172 (cited by OMIM).

NM_005264.8(GFRA1):c.676C>T (p.Arg226Ter)

Gene: GFRA1 (GDNF family receptor alpha 1; minus strand). Cytogenetic location: 10q25.3.
Variant type: single nucleotide variant.
Coding change: c.676C>T on transcript NM_005264.8 (MANE Select); coding-DNA position 676, C replaced by T.
Protein change: p.Arg226Ter; replaces arginine 226 with a stop codon.
Molecular consequence: nonsense.
Genome position (GRCh38, 1-based): chr10:116,125,315, G>A on the plus strand (C>T on the coding strand, the complement: GFRA1 is on the minus strand). VCF-style: chr10-116125315-G-A. GRCh37 (hg19) VCF-style: chr10-117884826-G-A.
Other names: c.661C>T, p.Arg221Ter (NM_001145453.4, NM_001348096.3, NM_001382556.2 and 6 more transcripts); c.676C>T, p.Arg226Ter (NM_001348098.4); c.313C>T, p.Arg105Ter (NM_001348099.3); short protein forms R226*, R105*, R221*.
Identifiers: ClinVar variation 1686970 (VCV001686970.2), dbSNP rs191814086, ClinGen allele CA5705337.
Genomic context (GRCh38, chr10:116,125,315, plus strand): 5'-AATTCAAACAGTTGGGCTTCTCCCTCTCTTCATAGGAGCACACAGGCACGATGGTCTGTC[G>A]CCTCCGCTCTGTGCAGGCGATGTCCCGGCAGGAGCAGAAGAGCATTCCGTAGCTGTGCTT-3'